The following is an entry in ClinVar:

ClinVar aggregate classification (germline): Conflicting classifications of pathogenicity. Review status: criteria provided, conflicting classifications (1 of 4 stars). 6 submissions from 6 submitters: Uncertain significance (2); Likely benign (4). Last evaluated 2026-05-24.

Conditions:
Imerslund-Grasbeck syndrome. Also called: ENTEROCYTE COBALAMIN MALABSORPTION; ENTEROCYTE INTRINSIC FACTOR RECEPTOR, DEFECT OF; PERNICIOUS ANEMIA, JUVENILE, DUE TO SELECTIVE INTESTINAL MALABSORPTION OF VITAMIN B12, WITH PROTEINURIA; Megaloblastic anemia due to inborn errors of metabolism; Imerslund-Gräsbeck syndrome. Identifiers: Orphanet 35858, MedGen C4551825, MONDO:0009853.
CUBN-related disorder. Also called: CUBN-related condition.
Imerslund-Grasbeck syndrome type 1 (IGS1). Also called: Megaloblastic anemia 1, Finnish type; MEGALOBLASTIC ANEMIA, 1; Imerslund-Gräsbeck syndrome 1. Identifiers: MedGen C4016819, MONDO:0100156, OMIM 261100.

Allele frequency attached by ClinVar (database versions not stated): gnomAD 0.00007 and 0.00008; ExAC 0.00008; gnomAD exomes 0.00008 and 0.00010; TOPMed 0.00009; ESP Exome Variant Server 0.00015.
gnomAD v4.1: 131 of 1,613,582 alleles (0.0081%); highest among the groups gnomAD compares: South Asian, 0.066%; 3 homozygotes.

Submissions (6):

PreventionGenetics, part of Exact Sciences
Classification: Likely benign for CUBN-related condition. Last evaluated: 2026-05-24. Review status: criteria provided, single submitter. Criteria: ACMG Guidelines, 2015. Collection method: clinical testing. Allele origin: germline.
Comment: This variant is classified as likely benign based on ACMG/AMP sequence variant interpretation guidelines (Richards et al. 2015 PMID: 25741868, with internal and published modifications).

Labcorp Genetics (formerly Invitae), Labcorp
Classification: Likely benign for Imerslund-Grasbeck syndrome. Last evaluated: 2025-04-11. Review status: criteria provided, single submitter. Criteria: Invitae Variant Classification Sherloc (09022015). Collection method: clinical testing. Allele origin: germline.

Mayo Clinic Laboratories, Mayo Clinic
Classification: Likely benign. Last evaluated: 2025-01-06. Review status: criteria provided, single submitter. Criteria: ACMG Guidelines, 2015. Collection method: clinical testing. Allele origin: germline. Observed: 1 variant allele.
Comment: BP4, BP7

Blueprint Genetics
Classification: Likely benign. Last evaluated: 2024-11-13. Review status: criteria provided, single submitter. Criteria: ACMG Guidelines, 2015. Collection method: clinical testing. Allele origin: germline.

Illumina Laboratory Services, Illumina
Classification: Uncertain significance for Imerslund-Grasbeck syndrome type 1. Last evaluated: 2018-01-13. Review status: criteria provided, single submitter. Criteria: ICSL Variant Classification Criteria 13 December 2019. Collection method: clinical testing. Allele origin: germline.

Breakthrough Genomics
Classification: Uncertain significance. Review status: criteria provided, single submitter. Criteria: ACMG Guidelines, 2015. Collection method: not provided. Allele origin: germline. Inheritance: Autosomal recessive inheritance. Affected: yes.

NM_001081.4(CUBN):c.7797C>T (p.Cys2599=)

Gene: CUBN (cubilin; minus strand). Cytogenetic location: 10p13.
Variant type: single nucleotide variant.
Coding change: c.7797C>T on transcript NM_001081.4 (MANE Select); coding-DNA position 7797, C replaced by T.
Protein change: p.Cys2599=; no amino-acid change (cysteine 2599 retained).
Molecular consequence: synonymous variant.
Genome position (GRCh38, 1-based): chr10:16,906,318, G>A on the plus strand (C>T on the coding strand, the complement: CUBN is on the minus strand). VCF-style: chr10-16906318-G-A. GRCh37 (hg19) VCF-style: chr10-16948317-G-A.
Other names: p.Cys2599=.
Identifiers: ClinVar variation 299418 (VCV000299418.13), dbSNP rs138758085, ClinGen allele CA5423238.
Genomic context (GRCh38, chr10:16,906,318, plus strand): 5'-ATCTTCAAAGTGAATGGAAATGGATGAATTTCCCTGATTTGGATTGCTGAGAGTCCATTC[G>A]CAGTTCAGGTTTCTTGAGTAATTCCTGACTCCGTCATAGCCAGGAGAAGTAAAGTTTCCT-3'
Protein context (NP_001072.2, residues 2589-2609): GVRNYSRNLN[Cys2599=]EWTLSNPNQG